The following is an entry in ClinVar:

NM_005228.5(EGFR):c.1243A>G (p.Thr415Ala)

Gene: EGFR (epidermal growth factor receptor; plus strand). Cytogenetic location: 7p11.2.
Variant type: single nucleotide variant.
Coding change: c.1243A>G on transcript NM_005228.5 (MANE Select); coding-DNA position 1243, A replaced by G.
Protein change: p.Thr415Ala; replaces threonine 415 with alanine.
Molecular consequence: missense variant.
Genome position (GRCh38, 1-based): chr7:55,157,698, A>G. VCF-style: chr7-55157698-A-G. GRCh37 (hg19) VCF-style: chr7-55225391-A-G.
Other names: c.1108A>G, p.Thr370Ala (NM_001346897.2, NM_001346899.2); c.1243A>G, p.Thr415Ala (NM_001346898.2, NM_201282.2, NM_201284.2); c.1084A>G, p.Thr362Ala (NM_001346900.2); c.442A>G, p.Thr148Ala (NM_001346941.2); short protein forms T370A, T148A, T362A, T415A.
Identifiers: ClinVar variation 1386349 (VCV001386349.6), dbSNP rs2128939666, ClinGen allele CA367579168.
Genomic context (GRCh38, chr7:55,157,698, plus strand): 5'-CTGAAGTCTTTCATCTGCCTTACAGGGTTTTTGCTGATTCAGGCTTGGCCTGAAAACAGG[A>G]CGGACCTCCATGCCTTTGAGAACCTAGAAATCATACGCGGCAGGACCAAGCAACAGTAAG-3'
Protein context (NP_005219.2, residues 405-425): LLIQAWPENR[Thr415Ala]DLHAFENLEI

ClinVar aggregate classification (germline): Uncertain significance (1 of 4 stars; one submission).

Conditions:
EGFR-related lung cancer (EGFR). Identifiers: MedGen CN130014.

Allele frequency attached by ClinVar (database versions not stated): gnomAD exomes below 0.00001.
gnomAD v4.1: 2 of 1,614,258 alleles (0.00012%); no homozygotes.

Submission:

Labcorp Genetics (formerly Invitae), Labcorp
Classification: Uncertain significance for EGFR-related lung cancer. Last evaluated: 2021-10-12. Review status: criteria provided, single submitter. Criteria: Invitae Variant Classification Sherloc (09022015). Collection method: clinical testing. Allele origin: germline.
Comment: In summary, the available evidence is currently insufficient to determine the role of this variant in disease. Therefore, it has been classified as a Variant of Uncertain Significance. Algorithms developed to predict the effect of missense changes on protein structure and function (SIFT, PolyPhen-2, Align-GVGD) all suggest that this variant is likely to be tolerated. This variant has not been reported in the literature in individuals affected with EGFR-related conditions. This variant is not present in population databases (ExAC no frequency). This sequence change replaces threonine with alanine at codon 415 of the EGFR protein (p.Thr415Ala). The threonine residue is moderately conserved and there is a small physicochemical difference between threonine and alanine.